The following is an entry in ClinVar:

ClinVar aggregate classification (germline): Conflicting classifications of pathogenicity. Review status: criteria provided, conflicting classifications (1 of 4 stars). 3 submissions from 3 submitters: Pathogenic (1); Uncertain significance (2). Last evaluated 2026-10-06.

Conditions:
Hereditary cancer-predisposing syndrome. Also called: Tumor predisposition; Neoplastic Syndromes, Hereditary; Hereditary Cancer Syndrome; Hereditary neoplastic syndrome. Identifiers: Orphanet 140162, MedGen C0027672, MeSH D009386, MONDO:0015356.
Cardiovascular phenotype. Identifiers: MedGen CN230736.
Neurofibromatosis, type 1 (NF1). Also called: Neurofibromatosis, type I; VON RECKLINGHAUSEN DISEASE; NEUROFIBROMATOSIS, TYPE I, SOMATIC; Peripheral type neurofibromatosis. Identifiers: Orphanet 636, MedGen C0027831, MONDO:0018975, OMIM 162200. Disease mechanism: loss of function.

Submissions (3):

NHS Central & South Genomic Laboratory Hub
Classification: Pathogenic for Neurofibromatosis type 1. Last evaluated: 2026-10-06. Review status: criteria provided, single submitter. Criteria: ACMG Guidelines, 2015. Collection method: clinical testing. Allele origin: germline. Affected: yes.

Labcorp Genetics (formerly Invitae), Labcorp
Classification: Uncertain significance for Neurofibromatosis, type 1. Last evaluated: 2023-11-23. Review status: criteria provided, single submitter. Criteria: Invitae Variant Classification Sherloc (09022015). Collection method: clinical testing. Allele origin: germline.
Comment: This sequence change replaces phenylalanine, which is neutral and non-polar, with tyrosine, which is neutral and polar, at codon 944 of the NF1 protein (p.Phe944Tyr). This variant is not present in population databases (gnomAD no frequency). This variant has not been reported in the literature in individuals affected with NF1-related conditions. ClinVar contains an entry for this variant (Variation ID: 1796602). Advanced modeling of protein sequence and biophysical properties (such as structural, functional, and spatial information, amino acid conservation, physicochemical variation, residue mobility, and thermodynamic stability) has been performed at Invitae for this missense variant, however the output from this modeling did not meet the statistical confidence thresholds required to predict the impact of this variant on NF1 protein function. In summary, the available evidence is currently insufficient to determine the role of this variant in disease. Therefore, it has been classified as a Variant of Uncertain Significance.

Ambry Genetics
Classification: Uncertain significance for Cardiovascular phenotype; Hereditary cancer-predisposing syndrome. Last evaluated: 2021-07-20. Review status: criteria provided, single submitter. Criteria: Ambry Variant Classification Scheme 2023. Collection method: clinical testing. Allele origin: germline.
Comment: The p.F944Y variant (also known as c.2831T>A), located in coding exon 21 of the NF1 gene, results from a T to A substitution at nucleotide position 2831. The phenylalanine at codon 944 is replaced by tyrosine, an amino acid with highly similar properties. This amino acid position is highly conserved in available vertebrate species. In addition, the in silico prediction for this alteration is inconclusive. Since supporting evidence is limited at this time, the clinical significance of this alteration remains unclear.

NM_001042492.3(NF1):c.2831T>A (p.Phe944Tyr)

Gene: NF1 (neurofibromin 1; plus strand). Cytogenetic location: 17q11.2.
Variant type: single nucleotide variant.
Coding change: c.2831T>A on transcript NM_001042492.3 (MANE Select); coding-DNA position 2831, T replaced by A.
Protein change: p.Phe944Tyr; replaces phenylalanine 944 with tyrosine.
Molecular consequence: missense variant.
Genome position (GRCh38, 1-based): chr17:31,229,446, T>A. VCF-style: chr17-31229446-T-A. GRCh37 (hg19) VCF-style: chr17-29556464-T-A.
Other names: c.2831T>A, p.Phe944Tyr (NM_000267.4); short protein forms F944Y.
Identifiers: ClinVar variation 1796602 (VCV001796602.8), dbSNP rs2151429794, ClinGen allele CA398985829.